The following is an entry in ClinVar:

ClinVar aggregate classification (germline): Uncertain significance (1 of 4 stars; one submission).

Conditions:
Landau-Kleffner syndrome (FESD). Also called: EPILEPSY, FOCAL, WITH SPEECH DISORDER AND WITH OR WITHOUT MENTAL RETARDATION; APHASIA, ACQUIRED, WITH EPILEPSY. Identifiers: Orphanet 1945, Orphanet 725, Orphanet 98818, MedGen C0282512, MONDO:0009509, OMIM 245570.

gnomAD v4.1: 6 of 1,614,052 alleles (0.00037%); highest among the groups gnomAD compares: South Asian, 0.0022%; no homozygotes.

Submission:

Labcorp Genetics (formerly Invitae), Labcorp
Classification: Uncertain significance for Landau-Kleffner syndrome. Last evaluated: 2025-10-26. Review status: criteria provided, single submitter. Criteria: Invitae Variant Classification Sherloc (09022015). Collection method: clinical testing. Allele origin: germline.
Comment: This sequence change replaces glutamic acid, which is acidic and polar, with lysine, which is basic and polar, at codon 962 of the GRIN2A protein (p.Glu962Lys). This variant is not present in population databases (gnomAD no frequency). This variant has not been reported in the literature in individuals affected with GRIN2A-related conditions. ClinVar contains an entry for this variant (Variation ID: 2958587). Invitae Evidence Modeling of protein sequence and biophysical properties (such as structural, functional, and spatial information, amino acid conservation, physicochemical variation, residue mobility, and thermodynamic stability) indicates that this missense variant is not expected to disrupt GRIN2A protein function with a negative predictive value of 95%. In summary, the available evidence is currently insufficient to determine the role of this variant in disease. Therefore, it has been classified as a Variant of Uncertain Significance.

NM_001134407.3(GRIN2A):c.2884G>A (p.Glu962Lys)

Gene: GRIN2A (glutamate ionotropic receptor NMDA type subunit 2A; minus strand). Cytogenetic location: 16p13.2.
Variant type: single nucleotide variant.
Coding change: c.2884G>A on transcript NM_001134407.3 (MANE Select); coding-DNA position 2884, G replaced by A.
Protein change: p.Glu962Lys; replaces glutamic acid 962 with lysine.
Molecular consequence: missense variant.
Genome position (GRCh38, 1-based): chr16:9,764,660, C>T on the plus strand (G>A on the coding strand, the complement: GRIN2A is on the minus strand). VCF-style: chr16-9764660-C-T. GRCh37 (hg19) VCF-style: chr16-9858517-C-T.
Other names: c.2884G>A, p.Glu962Lys (NM_000833.5, NM_001134408.2); short protein forms E962K.
Identifiers: ClinVar variation 2958587 (VCV002958587.3), dbSNP rs765370528, ClinGen allele CA277538406.